The following is an entry in ClinVar:

ClinVar aggregate classification (germline): Conflicting classifications of pathogenicity. Review status: criteria provided, conflicting classifications (1 of 4 stars). 4 submissions from 4 submitters: Likely pathogenic (1); Uncertain significance (3). Last evaluated 2025-08-11.

Conditions:
MITF-related disorder. Also called: MITF-related condition.
Tietz syndrome (TADS). Also called: HYPOPIGMENTATION/DEAFNESS OF TIETZ; ALBINISM-DEAFNESS OF TIETZ; TIETZ ALBINISM-DEAFNESS SYNDROME. Identifiers: Orphanet 42665, MedGen C0391816, MONDO:0007077, OMIM 103500.
Melanoma, cutaneous malignant, susceptibility to, 8. Also called: MELANOMA AND RENAL CELL CARCINOMA, SUSCEPTIBILITY TO; Cutaneous malignant melanoma 8. Identifiers: Orphanet 293822, MedGen C3152204, MONDO:0013759, OMIM 614456.
Waardenburg syndrome type 2A (WS2A). Also called: WAARDENBURG SYNDROME WITHOUT DYSTOPIA CANTHORUM. Identifiers: Orphanet 3440, MedGen C1860339, MONDO:0008671, OMIM 193510.

gnomAD v4.1: 2 of 1,613,952 alleles (0.00012%); highest among the groups gnomAD compares: Non-Finnish European, 0.00017%; no homozygotes.

Submissions (4):

GeneDx
Classification: Uncertain significance. Last evaluated: 2025-08-11. Review status: criteria provided, single submitter. Criteria: GeneDx Variant Classification Process June 2021. Collection method: clinical testing. Allele origin: germline. Affected: yes.
Comment: Not observed at significant frequency in large population cohorts (gnomAD); In silico analysis supports that this missense variant has a deleterious effect on protein structure/function; This variant is associated with the following publications: (PMID: 32728090, 36515421, 38400873, 27057829)

Labcorp Genetics (formerly Invitae), Labcorp
Classification: Uncertain significance for Melanoma, cutaneous malignant, susceptibility to, 8; Waardenburg syndrome type 2A; Tietz syndrome. Last evaluated: 2025-03-05. Review status: criteria provided, single submitter. Criteria: Invitae Variant Classification Sherloc (09022015). Collection method: clinical testing. Allele origin: germline.
Comment: This sequence change replaces arginine, which is basic and polar, with cysteine, which is neutral and slightly polar, at codon 240 of the MITF protein (p.Arg240Cys). This variant is not present in population databases (gnomAD no frequency). This missense change has been observed in individual(s) with clinical features of MITF-related conditions (PMID: 27057829, 32728090, 36515421). This variant is also known as p.Arg341Cys. ClinVar contains an entry for this variant (Variation ID: 1191164). Invitae Evidence Modeling of protein sequence and biophysical properties (such as structural, functional, and spatial information, amino acid conservation, physicochemical variation, residue mobility, and thermodynamic stability) indicates that this missense variant is expected to disrupt MITF protein function with a positive predictive value of 80%. Experimental studies are conflicting or provide insufficient evidence to determine the effect of this variant on MITF function (PMID: 32728090). In summary, the available evidence is currently insufficient to determine the role of this variant in disease. Therefore, it has been classified as a Variant of Uncertain Significance.

Blueprint Genetics
Classification: Likely pathogenic for MITF-related disorders. Last evaluated: 2019-12-02. Review status: criteria provided, single submitter. Criteria: ACMG Guidelines, 2015. Collection method: clinical testing. Allele origin: germline. Affected: yes. Observed: 3 variant alleles.

Juno Genomics, Hangzhou Juno Genomics, Inc
Classification: Uncertain significance for Waardenburg syndrome type 2A. Review status: criteria provided, single submitter. Criteria: ACMG Guidelines, 2015. Collection method: clinical testing. Allele origin: germline. Affected: yes.
Comment: Absent from controls (or at extremely low frequency if recessive) in Genome Aggregation Database, Exome Sequencing Project, 1000 Genomes Project, or Exome Aggregation Consortium.;Multiple lines of computational evidence support a deleterious effect on the gene or gene product (conservation, evolutionary, splicing impact, etc).;The prevalence of the variant in affected individuals is significantly increased compared to the prevalence in controls.;Assumed de novo, but without confirmation of paternity and maternity.

Literature cited by the submitters: PubMed 27057829 (cited by Labcorp Genetics (formerly Invitae), Labcorp); PubMed 32728090 (cited by Labcorp Genetics (formerly Invitae), Labcorp); PubMed 36515421 (cited by Labcorp Genetics (formerly Invitae), Labcorp).

NM_001354604.2(MITF):c.1039C>T (p.Arg347Cys)

Gene: MITF (melanocyte inducing transcription factor; plus strand). Cytogenetic location: 3p13.
Variant type: single nucleotide variant.
Coding change: c.1039C>T on transcript NM_001354604.2 (MANE Select); coding-DNA position 1039, C replaced by T.
Protein change: p.Arg347Cys; replaces arginine 347 with cysteine.
Molecular consequence: missense variant.
Genome position (GRCh38, 1-based): chr3:69,959,280, C>T. VCF-style: chr3-69959280-C-T. GRCh37 (hg19) VCF-style: chr3-70008431-C-T.
Other names: c.718C>T, p.Arg240Cys (NM_000248.4); c.865C>T, p.Arg289Cys (NM_001184967.2, NM_001354608.2); c.1036C>T, p.Arg346Cys (NM_001354605.2); c.1018C>T, p.Arg340Cys (NM_001354606.2, NM_006722.3); c.970C>T, p.Arg324Cys (NM_001354607.2); c.700C>T, p.Arg234Cys (NM_198158.3); c.1021C>T, p.Arg341Cys (NM_198159.3); c.973C>T, p.Arg325Cys (NM_198177.3); and 1 more; short protein forms R178C, R234C, R240C, R289C, R324C, R325C, R340C, R341C.
Identifiers: ClinVar variation 1191164 (VCV001191164.8), dbSNP rs1559751245, ClinGen allele CA353561888.
Genomic context (GRCh38, chr3:69,959,280, plus strand): 5'-TTCATTGAGCCTCAAATCCTAAAAATATCTGTTTTCCTCCATTTTCATCGCAGAGACATG[C>T]GCTGGAACAAGGGAACCATCTTAAAAGCATCCGTGGACTATATCCGAAAGTTGCAACGAG-3'
Protein context (NP_001341533.1, residues 337-357): LIPKSNDPDM[Arg347Cys]WNKGTILKAS